The following is an entry in ClinVar:

NM_000426.4(LAMA2):c.5135del (p.Arg1712fs)

Gene: LAMA2 (laminin subunit alpha 2; plus strand). Cytogenetic location: 6q22.33.
Variant type: Deletion.
Coding change: c.5135del on transcript NM_000426.4 (MANE Select); coding-DNA position 5135, one base deleted (G; older notation c.5135delG).
Protein change: p.Arg1712fs; shifts the reading frame from arginine 1712.
Molecular consequence: frameshift variant.
Genome position (GRCh38, 1-based): chr6:129,391,554, G deleted. VCF-style (leftmost placement, unchanged base first): chr6-129391553-AG-A. GRCh37 (hg19) VCF-style: chr6-129712698-AG-A.
Other names: c.5135del, p.Arg1712fs (NM_001079823.2); short protein forms R1712fs.
Identifiers: ClinVar variation 1451224 (VCV001451224.6), dbSNP rs2114671870, ClinGen allele CA2573140468.
Genomic context (GRCh38, chr6:129,391,553, plus strand): 5'-GTAAATGAAAAAGCTATAAAACTAAATGAAACTCTAGGAACTCGAGACGAGGCCTTTGAG[AG>A]AAATTTGGAAGGGCTTCAGAAAGAGATTGACCAGATGATTAAAGAACTGAGGAGGAAAAA-3'

ClinVar aggregate classification (germline): Pathogenic (1 of 4 stars; one submission).

Conditions:
LAMA2-related muscular dystrophy (LAMA2-RD). Also called: Laminin alpha 2-related dystrophy. Identifiers: MedGen C5679788, MONDO:0100228.

Submission:

Labcorp Genetics (formerly Invitae), Labcorp
Classification: Pathogenic for LAMA2-related muscular dystrophy. Last evaluated: 2022-03-22. Review status: criteria provided, single submitter. Criteria: Invitae Variant Classification Sherloc (09022015). Collection method: clinical testing. Allele origin: germline.
Comment: For these reasons, this variant has been classified as Pathogenic. This variant has not been reported in the literature in individuals affected with LAMA2-related conditions. This variant is not present in population databases (gnomAD no frequency). This sequence change creates a premature translational stop signal (p.Arg1712Lysfs*13) in the LAMA2 gene. It is expected to result in an absent or disrupted protein product. Loss-of-function variants in LAMA2 are known to be pathogenic (PMID: 18700894, 32904964).

Literature cited by the submitters: PubMed 18700894; PubMed 32904964.